The following is an entry in ClinVar:

NM_001041.4(SI):c.3634-5del

Gene: SI (sucrase-isomaltase; minus strand). Cytogenetic location: 3q26.1.
Variant type: Deletion.
Coding change: c.3634-5del on transcript NM_001041.4 (MANE Select); 5 bases into the intron before coding-DNA position 3634, one base deleted (T; older notation c.3634-5delT).
Molecular consequence: intron variant.
Genome position (GRCh38, 1-based): chr3:165,017,678, A deleted on the plus strand (T on the coding strand, the reverse complement: SI is on the minus strand); the first of 8 consecutive A bases (chr3:165,017,678-165,017,685); deleting any one gives the same sequence. VCF-style (leftmost placement, unchanged base first): chr3-165017677-TA-T. GRCh37 (hg19) VCF-style: chr3-164735465-TA-T.
Other names: c.3634-5delT (NM_001041.3).
Identifiers: ClinVar variation 1537928 (VCV001537928.11), dbSNP rs750773954, ClinGen allele CA2690176.

ClinVar aggregate classification (germline): Benign/Likely benign. Review status: criteria provided, multiple submitters, no conflicts (2 of 4 stars). 3 submissions from 3 submitters: Benign (1); Likely benign (1). 1 of the submissions does not count toward it. Last evaluated 2025-10-26.

Conditions:
SI-related disorder. Also called: SI-related condition.
Sucrase-isomaltase deficiency (CSID). Also called: SI DEFICIENCY; Deficiency of isomaltase; Congenital sucrose isomaltose malabsorption; Sucrose isomaltose enzyme deficiency. Identifiers: Orphanet 35122, MedGen C1283620, MONDO:0009114, OMIM 222900.

Submissions (3):

Labcorp Genetics (formerly Invitae), Labcorp
Classification: Benign. Last evaluated: 2025-10-26. Review status: criteria provided, single submitter. Criteria: Invitae Variant Classification Sherloc (09022015). Collection method: clinical testing. Allele origin: germline.

Fulgent Genetics
Classification: Likely benign for Sucrase-isomaltase deficiency. Last evaluated: 2022-03-09. Review status: criteria provided, single submitter. Criteria: ACMG Guidelines, 2015. Collection method: clinical testing. Allele origin: unknown.

PreventionGenetics, part of Exact Sciences
Classification: Likely benign for SI-related condition. Last evaluated: 2019-03-20. Review status: no assertion criteria provided. Collection method: clinical testing. Allele origin: germline. Not counted in ClinVar's aggregate classification.
Comment: This variant is classified as likely benign based on ACMG/AMP sequence variant interpretation guidelines (Richards et al. 2015 PMID: 25741868, with internal and published modifications).